The following is an entry in ClinVar:

ClinVar aggregate classification (germline): Uncertain significance. Review status: criteria provided, multiple submitters, no conflicts (2 of 4 stars). 2 submissions from 2 submitters: Uncertain significance (2). Last evaluated 2022-08-19.

Conditions:
Neuronal ceroid lipofuscinosis. Also called: Neuronal Ceroid Lipofuscinoses. Identifiers: Orphanet 216, Orphanet 79263, MedGen C0027877, MONDO:0016295. Disease mechanism: loss of function.

Allele frequency attached by ClinVar (database versions not stated): gnomAD exomes below 0.00001.
gnomAD v4.1: 2 of 1,464,672 alleles (0.00014%); highest among the groups gnomAD compares: Non-Finnish European, 0.00018%; no homozygotes.

Submissions (2):

Labcorp Genetics (formerly Invitae), Labcorp
Classification: Uncertain significance for Neuronal ceroid lipofuscinosis. Last evaluated: 2022-08-19. Review status: criteria provided, single submitter. Criteria: Invitae Variant Classification Sherloc (09022015). Collection method: clinical testing. Allele origin: germline.
Comment: This sequence change replaces glutamic acid, which is acidic and polar, with lysine, which is basic and polar, at codon 2 of the CLN6 protein (p.Glu2Lys). This variant is not present in population databases (gnomAD no frequency). This variant has not been reported in the literature in individuals affected with CLN6-related conditions. ClinVar contains an entry for this variant (Variation ID: 205185). Algorithms developed to predict the effect of missense changes on protein structure and function (SIFT, PolyPhen-2, Align-GVGD) all suggest that this variant is likely to be tolerated. In summary, the available evidence is currently insufficient to determine the role of this variant in disease. Therefore, it has been classified as a Variant of Uncertain Significance.

GeneDx
Classification: Uncertain significance. Last evaluated: 2014-09-25. Review status: criteria provided, single submitter. Criteria: GeneDx Variant Classification (06012015). Collection method: clinical testing. Allele origin: germline. Affected: yes.
Comment: p.Glu2Lys (GAG>AAG): c.4 G>A in exon 1 of the CLN6 gene (NM_017882.2). The E2K variant has not been published as a mutation, nor has it been reported as a benign polymorphism to our knowledge. It was not observed in approximately 2,100 individuals of European and African American ancestry in the NHLBI Exome Sequencing Project, indicating it is not a common benign variant in these populations. The E2K variant is a non-conservative amino acid substitution, which is likely to impact secondary protein structure as these residues differ in polarity, charge, size and/or other properties. This substitution alters a conserved position in the N-terminal domain of the CLN6 protein (Kousi et al., 2012), and missense mutations in nearby residues (R5W, R6T, A12T) have been reported in association with neuronal ceroid lipofuscinosis, supporting the functional importance of this region of the protein However, in silico analysis is inconsistent in its predictions as to whether or not the variant is damaging to the protein structure/function. Therefore, based on the currently available information, it is unclear whether this variant is a pathogenic mutation or a rare benign variant. The variant is found in EPILEPSY panel(s).

NM_017882.3(CLN6):c.4G>A (p.Glu2Lys)

Gene: CLN6 (CLN6 transmembrane ER protein; minus strand). Cytogenetic location: 15q23.
Variant type: single nucleotide variant.
Coding change: c.4G>A on transcript NM_017882.3 (MANE Select); coding-DNA position 4, G replaced by A.
Protein change: p.Glu2Lys; replaces glutamic acid 2 with lysine.
Molecular consequence: missense variant.
Genome position (GRCh38, 1-based): chr15:68,229,581, C>T on the plus strand (G>A on the coding strand, the complement: CLN6 is on the minus strand). VCF-style: chr15-68229581-C-T. GRCh37 (hg19) VCF-style: chr15-68521919-C-T.
Other names: p.E2K:GAG>AAG; short protein forms E2K.
Identifiers: ClinVar variation 205185 (VCV000205185.4), dbSNP rs796052360, ClinGen allele CA313994.